The following is an entry in ClinVar:

NM_198525.3(KIF7):c.2695G>C (p.Val899Leu)

Gene: KIF7 (kinesin family member 7; minus strand). Cytogenetic location: 15q26.1.
Variant type: single nucleotide variant.
Coding change: c.2695G>C on transcript NM_198525.3 (MANE Select); coding-DNA position 2695, G replaced by C.
Protein change: p.Val899Leu; replaces valine 899 with leucine.
Molecular consequence: missense variant.
Genome position (GRCh38, 1-based): chr15:89,633,164, C>G on the plus strand (G>C on the coding strand, the complement: KIF7 is on the minus strand). VCF-style: chr15-89633164-C-G. GRCh37 (hg19) VCF-style: chr15-90176395-C-G.
Other names: short protein forms V899L.
Identifiers: ClinVar variation 1382548 (VCV001382548.6), dbSNP rs139174072, ClinGen allele CA7728041.
Genomic context (GRCh38, chr15:89,633,164, plus strand): 5'-CAGGGGAGCCCTGGGTGCGGACACAGCCTGGCCCCACCTGCTGCTGTTCCAGGCTGACCA[C>G]AGAGCCGTTGCTGCCACTGCGCCTCTTCCTCTGGAATGCCGCGATCTCTTCCGTCTTAAT-3'
Protein context (NP_940927.2, residues 889-909): RKRRSGSNGS[Val899Leu]VSLEQQQKIE

ClinVar aggregate classification (germline): Uncertain significance (1 of 4 stars; one submission).

Conditions:
Acrocallosal syndrome (ACLS). Also called: Schinzel syndrome 1; Absence of corpus callosum with unusual facial appearance, mental deficiency, duplication of the halluces and polydactyly; HALLUX DUPLICATION, POSTAXIAL POLYDACTYLY, AND ABSENCE OF CORPUS CALLOSUM. Identifiers: Orphanet 36, MedGen C0796147, MONDO:0008708, OMIM 200990.

Allele frequency attached by ClinVar (database versions not stated): gnomAD exomes below 0.00001 and 0.00002; ExAC 0.00003; TOPMed 0.00005; gnomAD 0.00007 and 0.00008; ESP Exome Variant Server 0.00008.
gnomAD v4.1: 12 of 1,603,880 alleles (0.00075%); highest among the groups gnomAD compares: African/African-American, 0.016%; no homozygotes.

Submission:

Labcorp Genetics (formerly Invitae), Labcorp
Classification: Uncertain significance for Acrocallosal syndrome. Last evaluated: 2024-09-16. Review status: criteria provided, single submitter. Criteria: Invitae Variant Classification Sherloc (09022015). Collection method: clinical testing. Allele origin: germline.
Comment: This sequence change replaces valine, which is neutral and non-polar, with leucine, which is neutral and non-polar, at codon 899 of the KIF7 protein (p.Val899Leu). This variant is present in population databases (rs139174072, gnomAD 0.02%). This variant has not been reported in the literature in individuals affected with KIF7-related conditions. ClinVar contains an entry for this variant (Variation ID: 1382548). An algorithm developed to predict the effect of missense changes on protein structure and function (PolyPhen-2) suggests that this variant¬†is likely to be tolerated. In summary, the available evidence is currently insufficient to determine the role of this variant in disease. Therefore, it has been classified as a Variant of Uncertain Significance.